The following is an entry in ClinVar:

ClinVar aggregate classification (germline): Uncertain significance (1 of 4 stars; one submission).

gnomAD v4.1: 15 of 1,614,092 alleles (0.00093%); highest among the groups gnomAD compares: Non-Finnish European, 0.0013%; no homozygotes.

Submission:

Labcorp Genetics (formerly Invitae), Labcorp
Classification: Uncertain significance. Last evaluated: 2024-04-25. Review status: criteria provided, single submitter. Criteria: Invitae Variant Classification Sherloc (09022015). Collection method: clinical testing. Allele origin: germline.
Comment: This sequence change replaces alanine, which is neutral and non-polar, with glycine, which is neutral and non-polar, at codon 671 of the TNNI3K protein (p.Ala671Gly). This variant is not present in population databases (gnomAD no frequency). This variant has not been reported in the literature in individuals affected with TNNI3K-related conditions. An algorithm developed to predict the effect of missense changes on protein structure and function (PolyPhen-2) suggests that this variant is likely to be tolerated. In summary, the available evidence is currently insufficient to determine the role of this variant in disease. Therefore, it has been classified as a Variant of Uncertain Significance.

NM_015978.3(TNNI3K):c.2012C>G (p.Ala671Gly)

Genes: FPGT-TNNI3K (FPGT-TNNI3K readthrough; plus strand), TNNI3K (TNNI3 interacting kinase; plus strand). Cytogenetic location: 1p31.1.
Variant type: single nucleotide variant.
Coding change: c.2012C>G on transcript NM_015978.3 (MANE Select); coding-DNA position 2012, C replaced by G.
Protein change: p.Ala671Gly; replaces alanine 671 with glycine.
Molecular consequence: missense variant.
Genome position (GRCh38, 1-based): chr1:74,463,441, C>G. VCF-style: chr1-74463441-C-G. GRCh37 (hg19) VCF-style: chr1-74929125-C-G.
Other names: c.2315C>G, p.Ala772Gly (NM_001112808.3, NM_001199327.2); short protein forms A772G, A671G.
Identifiers: ClinVar variation 3702291 (VCV003702291.2).